The following is an entry in ClinVar:

ClinVar aggregate classification (germline): Uncertain significance (1 of 4 stars; one submission).

Conditions:
Duchenne muscular dystrophy (DMD). Also called: MUSCULAR DYSTROPHY, PSEUDOHYPERTROPHIC PROGRESSIVE, DUCHENNE TYPE; Duchenne Muscular Dystrophy (DMD). Identifiers: Orphanet 98896, MedGen C0013264, MONDO:0010679, OMIM 310200.

Submission:

Labcorp Genetics (formerly Invitae), Labcorp
Classification: Uncertain significance for Duchenne muscular dystrophy. Last evaluated: 2024-03-01. Review status: criteria provided, single submitter. Criteria: Invitae Variant Classification Sherloc (09022015). Collection method: clinical testing. Allele origin: germline.
Comment: This sequence change replaces glutamic acid, which is acidic and polar, with glutamine, which is neutral and polar, at codon 2258 of the DMD protein (p.Glu2258Gln). This variant is not present in population databases (gnomAD no frequency). This variant has not been reported in the literature in individuals affected with DMD-related conditions. Advanced modeling of protein sequence and biophysical properties (such as structural, functional, and spatial information, amino acid conservation, physicochemical variation, residue mobility, and thermodynamic stability) performed at Invitae indicates that this missense variant is not expected to disrupt DMD protein function with a negative predictive value of 95%. In summary, the available evidence is currently insufficient to determine the role of this variant in disease. Therefore, it has been classified as a Variant of Uncertain Significance.

NM_004006.3(DMD):c.6772G>C (p.Glu2258Gln)

Gene: DMD (dystrophin; minus strand). Cytogenetic location: Xp21.1.
Variant type: single nucleotide variant.
Coding change: c.6772G>C on transcript NM_004006.3 (MANE Select); coding-DNA position 6772, G replaced by C.
Protein change: p.Glu2258Gln; replaces glutamic acid 2258 with glutamine.
Molecular consequence: missense variant. On other transcripts: 5 prime UTR variant (5).
Genome position (GRCh38, 1-based): chrX:31,929,736, C>G on the plus strand (G>C on the coding strand, the complement: DMD is on the minus strand). VCF-style: chrX-31929736-C-G. GRCh37 (hg19) VCF-style: chrX-31947853-C-G.
Other names: c.6748G>C, p.Glu2250Gln (NM_000109.4); c.6760G>C, p.Glu2254Gln (NM_004009.3); c.6403G>C, p.Glu2135Gln (NM_004010.3); c.2749G>C, p.Glu917Gln (NM_004011.4); c.2740G>C, p.Glu914Gln (NM_004012.4); c.-609G>C (NM_004013.3, NM_004020.4, NM_004021.3 and 2 more transcripts); short protein forms E2258Q, E2135Q, E2250Q, E2254Q, E914Q, E917Q.
Identifiers: ClinVar variation 3670074 (VCV003670074.2).
Genomic context (GRCh38, chrX:31,929,736, plus strand): 5'-GCACGGGTCCTCCAGTTTCATTTAATTGTTTGAGAATTCCCTGGCGCAGGGGCAACTCTT[C>G]CACCAGTAACTGAAACAGACAAATGCAACAACGTTTAAAATGAATTACAGCACAATTCCA-3'
Protein context (NP_003997.2, residues 2248-2268): EKLEQVKLLV[Glu2258Gln]ELPLRQGILK